The following is an entry in ClinVar:

ClinVar aggregate classification (germline): Uncertain significance (1 of 4 stars; one submission).

Submission:

Labcorp Genetics (formerly Invitae), Labcorp
Classification: Uncertain significance. Last evaluated: 2023-12-18. Review status: criteria provided, single submitter. Criteria: Invitae Variant Classification Sherloc (09022015). Collection method: clinical testing. Allele origin: germline.
Comment: This sequence change replaces phenylalanine, which is neutral and non-polar, with leucine, which is neutral and non-polar, at codon 1026 of the CACNA1F protein (p.Phe1026Leu). This variant is not present in population databases (gnomAD no frequency). This variant has not been reported in the literature in individuals affected with CACNA1F-related conditions. ClinVar contains an entry for this variant (Variation ID: 1021628). Advanced modeling of protein sequence and biophysical properties (such as structural, functional, and spatial information, amino acid conservation, physicochemical variation, residue mobility, and thermodynamic stability) performed at Invitae indicates that this missense variant is not expected to disrupt CACNA1F protein function with a negative predictive value of 80%. In summary, the available evidence is currently insufficient to determine the role of this variant in disease. Therefore, it has been classified as a Variant of Uncertain Significance.

NM_001256789.3(CACNA1F):c.3045C>A (p.Phe1015Leu)

Gene: CACNA1F (calcium voltage-gated channel subunit alpha1 F; minus strand). Cytogenetic location: Xp11.23.
Variant type: single nucleotide variant.
Coding change: c.3045C>A on transcript NM_001256789.3 (MANE Select); coding-DNA position 3045, C replaced by A.
Protein change: p.Phe1015Leu; replaces phenylalanine 1015 with leucine.
Molecular consequence: missense variant.
Genome position (GRCh38, 1-based): chrX:49,217,799, G>T on the plus strand (C>A on the coding strand, the complement: CACNA1F is on the minus strand). VCF-style: chrX-49217799-G-T. GRCh37 (hg19) VCF-style: chrX-49074258-G-T.
Other names: c.2883C>A, p.Phe961Leu (NM_001256790.3); c.3078C>A, p.Phe1026Leu (NM_005183.4); short protein forms F1015L, F1026L, F961L.
Identifiers: ClinVar variation 1021628 (VCV001021628.8), dbSNP rs782200766, ClinGen allele CA412964286.